The following is an entry in ClinVar:

NM_001267550.2(TTN):c.16391G>C (p.Gly5464Ala)

Gene: TTN (titin; minus strand). Cytogenetic location: 2q31.2.
Variant type: single nucleotide variant.
Coding change: c.16391G>C on transcript NM_001267550.2 (MANE Select); coding-DNA position 16391, G replaced by C.
Protein change: p.Gly5464Ala; replaces glycine 5464 with alanine.
Molecular consequence: missense variant. On other transcripts: intron variant (3).
Genome position (GRCh38, 1-based): chr2:178,732,670, C>G on the plus strand (G>C on the coding strand, the complement: TTN is on the minus strand). VCF-style: chr2-178732670-C-G. GRCh37 (hg19) VCF-style: chr2-179597397-C-G.
Other names: c.15440G>C, p.Gly5147Ala (NM_001256850.1); c.12659G>C, p.Gly4220Ala (NM_133378.4); c.13282+5412G>C (NM_003319.4); c.13858+5412G>C (NM_133437.4); c.13657+5412G>C (NM_133432.3); short protein forms G5147A, G5464A, G4220A.
Identifiers: ClinVar variation 626695 (VCV000626695.10), dbSNP rs377023302, ClinGen allele CA2002034.

ClinVar aggregate classification (germline): Conflicting classifications of pathogenicity. Review status: criteria provided, conflicting classifications (1 of 4 stars). 9 submissions from 5 submitters: Uncertain significance (6); Likely benign (3). Last evaluated 2026-01-23.

Conditions:
Cardiomyopathy (CMYO). Also called: Cardiomyopathies. Identifiers: Orphanet 167848, MedGen C0878544, MONDO:0004994, HP:0001638. Inheritance: Various modes of inheritance.
Tibial muscular dystrophy (TMD). Also called: Tibial muscular dystrophy, tardive; Udd Distal Myopathy – Tibial Muscular Dystrophy; UDD MYOPATHY. Identifiers: Orphanet 609, MedGen C1838244, MONDO:0010870, OMIM 600334.
Autosomal recessive limb-girdle muscular dystrophy type 2J (LGMDR10). Also called: MUSCULAR DYSTROPHY, LIMB-GIRDLE, AUTOSOMAL RECESSIVE 10; Limb-girdle muscular dystrophy, type 2J. Identifiers: Orphanet 140922, MedGen C1837342, MONDO:0012127, OMIM 608807.
TTN-related disorder. Also called: TTN-related condition; TTN-related disease; TTN-related disorders.
Myopathy, myofibrillar, 9, with early respiratory failure (MFM9). Also called: Myopathy, distal, with early respiratory failure, autosomal dominant; Hereditary myopathy with early respiratory failure; EDSTROM MYOPATHY; MYOPATHY, PROXIMAL, WITH EARLY RESPIRATORY MUSCLE INVOLVEMENT. Identifiers: Orphanet 178464, Orphanet 34521, MedGen C1863599, MONDO:0011362, OMIM 603689.
Early-onset myopathy with fatal cardiomyopathy (CMYO5). Also called: CONGENITAL MYOPATHY 5 WITH CARDIOMYOPATHY; Salih Myopathy. Identifiers: Orphanet 289377, MedGen C2673677, MONDO:0012714, OMIM 611705. Disease mechanism: loss of function.
Hypertrophic cardiomyopathy 9. Also called: Familial hypertrophic cardiomyopathy 9. Identifiers: MedGen C1861065, MONDO:0013412, OMIM 613765.
Dilated cardiomyopathy 1G (CMD1G). Identifiers: Orphanet 154, MedGen C1858763, MONDO:0011400, OMIM 604145.

Allele frequency attached by ClinVar (database versions not stated): gnomAD 0.00002 and 0.00005; TOPMed 0.00006; ExAC 0.00009; 1000 Genomes Project 30x 0.00016; 1000 Genomes Project 0.00020.
gnomAD v4.1: 56 of 1,606,966 alleles (0.0035%); highest among the groups gnomAD compares: East Asian, 0.04%; no homozygotes.

Submissions (9):

PreventionGenetics, part of Exact Sciences
Classification: Uncertain significance for TTN-related condition. Last evaluated: 2026-01-23. Review status: criteria provided, single submitter. Criteria: ACMG Guidelines, 2015. Collection method: clinical testing. Allele origin: germline.
Comment: The TTN c.16391G>C variant is predicted to result in the amino acid substitution p.Gly5464Ala. This variant has been reported as a variant of uncertain significance in a cohort of individuals with dilated cardiomyopathy (described as p.Gly5147Ala in Table S3, Lian et al. 2023. PubMed ID: 37461109). This variant has also been reported in the compound heterozygous state in an individual with left ventricular outflow tract obstruction (Table S3, Jin et al. 2017. PubMed ID: 28991257). This variant is reported in 0.078% of alleles in individuals of East Asian descent in gnomAD. Although we suspect that this variant may be benign, at this time, the clinical significance of this variant is uncertain due to the absence of conclusive functional and genetic evidence.

Revvity Omics, Revvity
Classification: Uncertain significance. Last evaluated: 2024-07-19. Review status: criteria provided, single submitter. Criteria: ACMG Guidelines, 2015. Collection method: clinical testing. Allele origin: germline.

Clinical Genomics Laboratory, Washington University in St. Louis
Classification: Uncertain significance for Hypertrophic cardiomyopathy 9. Last evaluated: 2024-02-19. Review status: criteria provided, single submitter. Criteria: ACMG Guidelines, 2015. Collection method: clinical testing. Allele origin: germline.
Comment: A TTN c.16391G>C (p.Gly5464Ala) variant was identified. This variant has been reported in an individual with cardiomyopathy (Ware SM et al., PMID: 35026164) and an individual with congenital heart disease (Jin SC et al., PMID: 28991257). This variant has been reported in ClinVar as a variant of uncertain significance and as likely benign (ClinVar Variation ID: 626695). This variant is observed on 24/273,508 alleles in the general population (gnomAD v2.1.1). Computational predictors are uncertain as to the impact of this variant on TTN function. Due to limited information, and based on ACMG/AMP guidelines for variant interpretation (Richards S et al., PMID: 25741868), the clinical significance of the TTN c.16391G>C (p.Gly5464Ala) variant is uncertain at this time.

CHEO Genetics Diagnostic Laboratory, Children's Hospital of Eastern Ontario
Classification: Likely benign for Cardiomyopathy. Last evaluated: 2020-03-04. Review status: criteria provided, single submitter. Criteria: ACMG Guidelines, 2015. Collection method: clinical testing. Allele origin: germline. Study: Canadian Open Genetics Repository.

Illumina Laboratory Services, Illumina
Classification: Uncertain significance for Early-onset myopathy with fatal cardiomyopathy. Last evaluated: 2018-01-13. Review status: criteria provided, single submitter. Criteria: ICSL Variant Classification Criteria 13 December 2019. Collection method: clinical testing. Allele origin: germline.

Illumina Laboratory Services, Illumina
Classification: Likely benign for Myopathy, myofibrillar, 9, with early respiratory failure. Last evaluated: 2018-01-13. Review status: criteria provided, single submitter. Criteria: ICSL Variant Classification Criteria 13 December 2019. Collection method: clinical testing. Allele origin: germline.
Comment: This variant was observed in the ICSL laboratory as part of a predisposition screen in an ostensibly healthy population. It had not been previously curated by ICSL or reported in the Human Gene Mutation Database (HGMD: prior to June 1st, 2018), and was therefore a candidate for classification through an automated scoring system. Utilizing variant allele frequency, disease prevalence and penetrance estimates, and inheritance mode, an automated score was calculated to assess if this variant is too frequent to cause the disease. Based on the score and internal cut-off values, a variant classified as likely benign is not then subjected to further curation. The score for this variant resulted in a classification of likely benign for this disease.

Illumina Laboratory Services, Illumina
Classification: Uncertain significance for Dilated cardiomyopathy 1G. Last evaluated: 2018-01-13. Review status: criteria provided, single submitter. Criteria: ICSL Variant Classification Criteria 13 December 2019. Collection method: clinical testing. Allele origin: germline.

Illumina Laboratory Services, Illumina
Classification: Uncertain significance for Autosomal recessive limb-girdle muscular dystrophy type 2J. Last evaluated: 2018-01-13. Review status: criteria provided, single submitter. Criteria: ICSL Variant Classification Criteria 13 December 2019. Collection method: clinical testing. Allele origin: germline.

Illumina Laboratory Services, Illumina
Classification: Likely benign for Tibial muscular dystrophy. Last evaluated: 2018-01-13. Review status: criteria provided, single submitter. Criteria: ICSL Variant Classification Criteria 13 December 2019. Collection method: clinical testing. Allele origin: germline.
Comment: the same text as in the submission from Illumina Laboratory Services, Illumina above.